The following is an entry in ClinVar:

NM_001351132.2(PEX5):c.241A>T (p.Thr81Ser)

Gene: PEX5 (peroxisomal biogenesis factor 5; plus strand). Cytogenetic location: 12p13.31.
Variant type: single nucleotide variant.
Coding change: c.241A>T on transcript NM_001351132.2 (MANE Select); coding-DNA position 241, A replaced by T.
Protein change: p.Thr81Ser; replaces threonine 81 with serine.
Molecular consequence: missense variant.
Genome position (GRCh38, 1-based): chr12:7,191,283, A>T. VCF-style: chr12-7191283-A-T. GRCh37 (hg19) VCF-style: chr12-7343879-A-T.
Other names: c.241A>T, p.Thr81Ser (NM_000319.5, NM_001131024.2, NM_001131025.2 and 19 more transcripts); c.286A>T, p.Thr96Ser (NM_001131023.2, NM_001351135.3, NM_001351138.2); c.241A>T (NM_001131025.1); short protein forms T81S, T96S.
Identifiers: ClinVar variation 1462239 (VCV001462239.6), dbSNP rs769373976, ClinGen allele CA383711093.
Genomic context (GRCh38, chr12:7,191,283, plus strand): 5'-CAGTTGGTGGCTGAATTCCTGCAGGACCAGAATGCACCCCTTGTGTCCCGTGCCCCTCAG[A>T]CCTTCAAGATGGATGACCTCCTGGCTGAGATGCAGCAGATTGAGCAGTCAAACTTCCGCC-3'
Protein context (NP_001338061.1, residues 71-91): NAPLVSRAPQ[Thr81Ser]FKMDDLLAEM

ClinVar aggregate classification (germline): Uncertain significance. Review status: criteria provided, multiple submitters, no conflicts (2 of 4 stars). 2 submissions from 2 submitters: Uncertain significance (2). Last evaluated 2022-09-26.

Conditions:
Inborn genetic diseases. Identifiers: MedGen C0950123, MeSH D030342.
Peroxisome biogenesis disorder 2B (PBD2B). Identifiers: Orphanet 44, MedGen C3550234, MONDO:0008736, OMIM 202370.

Allele frequency attached by ClinVar (database versions not stated): gnomAD exomes below 0.00001; TOPMed below 0.00001; gnomAD 0.00001.
gnomAD v4.1: 7 of 1,613,890 alleles (0.00043%); highest among the groups gnomAD compares: African/African-American, 0.0013%; no homozygotes.

Submissions (2):

Ambry Genetics
Classification: Uncertain significance for Inborn genetic diseases. Last evaluated: 2022-09-26. Review status: criteria provided, single submitter. Criteria: Ambry Variant Classification Scheme 2023. Collection method: clinical testing. Allele origin: germline.

Labcorp Genetics (formerly Invitae), Labcorp
Classification: Uncertain significance for Peroxisome biogenesis disorder 2B. Last evaluated: 2022-03-03. Review status: criteria provided, single submitter. Criteria: Invitae Variant Classification Sherloc (09022015). Collection method: clinical testing. Allele origin: germline.
Comment: This sequence change replaces threonine, which is neutral and polar, with serine, which is neutral and polar, at codon 81 of the PEX5 protein (p.Thr81Ser). This variant is present in population databases (no rsID available, gnomAD 0.0009%). This variant has not been reported in the literature in individuals affected with PEX5-related conditions. Algorithms developed to predict the effect of missense changes on protein structure and function (SIFT, PolyPhen-2, Align-GVGD) all suggest that this variant is likely to be tolerated. Algorithms developed to predict the effect of sequence changes on RNA splicing suggest that this variant may disrupt the consensus splice site. In summary, the available evidence is currently insufficient to determine the role of this variant in disease. Therefore, it has been classified as a Variant of Uncertain Significance.